The following is an entry in ClinVar:

NM_006005.3(WFS1):c.1885C>T (p.Arg629Trp)

Gene: WFS1 (wolframin ER transmembrane glycoprotein; plus strand). Cytogenetic location: 4p16.1.
Variant type: single nucleotide variant.
Coding change: c.1885C>T on transcript NM_006005.3 (MANE Select); coding-DNA position 1885, C replaced by T.
Protein change: p.Arg629Trp; replaces arginine 629 with tryptophan.
Molecular consequence: missense variant.
Genome position (GRCh38, 1-based): chr4:6,301,680, C>T. VCF-style: chr4-6301680-C-T. GRCh37 (hg19) VCF-style: chr4-6303407-C-T.
Other names: c.1885C>T, p.Arg629Trp (NM_001145853.1); short protein forms R629W.
Identifiers: ClinVar variation 1071979 (VCV001071979.15), dbSNP rs71530910, ClinGen allele CA2839535.
Genomic context (GRCh38, chr4:6,301,680, plus strand): 5'-CTGTTGCGCTGGTGGACCAAGGCCAGCTTCTCTGTGGTGGGGATGGTGAAGTCCCTGACG[C>T]GGAGCTCCATGGTCAAGCTCATCCTGGTGTGGCTCACGGCCATCGTGCTGTTCTGCTGGT-3'
Protein context (NP_005996.2, residues 619-639): SVVGMVKSLT[Arg629Trp]SSMVKLILVW

ClinVar aggregate classification (germline): Pathogenic. Review status: criteria provided, multiple submitters, no conflicts (2 of 4 stars). 7 submissions from 7 submitters: Pathogenic (7). Last evaluated 2025-10-17.

Conditions:
Inborn genetic diseases. Identifiers: MedGen C0950123, MeSH D030342.
Wolfram syndrome 1 (WFS1). Identifiers: Orphanet 3463, MedGen C4551693, MONDO:0009101, OMIM 222300.
WFS1-related disorder. Identifiers: MedGen CN379391, MONDO:0700293.

Allele frequency attached by ClinVar (database versions not stated): ExAC 0.00001; gnomAD exomes 0.00001 and 0.00003; gnomAD 0.00002; TOPMed 0.00003; 1000 Genomes Project 30x 0.00016; 1000 Genomes Project 0.00020.

Submissions (7):

Ambry Genetics
Classification: Pathogenic for Inborn genetic diseases. Last evaluated: 2025-10-17. Review status: criteria provided, single submitter. Criteria: Ambry Variant Classification Scheme 2023. Collection method: clinical testing. Allele origin: germline.
Comment: The c.1885C>T (p.R629W) alteration is located in exon 8 (coding exon 7) of the WFS1 gene. This alteration results from a C to T substitution at nucleotide position 1885, causing the arginine (R) at amino acid position 629 to be replaced by a tryptophan (W). for autosomal recessive WFS1-related Wolfram syndrome; however, its clinical significance for autosomal dominant Wolfram-like syndrome is uncertain. Based on data from gnomAD, the T allele has an overall frequency of 0.001% (3/251114) total alleles studied. The highest observed frequency was 0.006% (2/34584) of Latino alleles. This variant has been identified in the homozygous state and/or in conjunction with other WFS1 variant(s) in individual(s) with features consistent with Wolfram syndrome and segregated with disease in at least one family (Zhang, 2022; Mirrahimi, 2021; Du, 2023; Riachi, 2019; &Ccedil;elmeli, 2017; Giuliano, 2005; Hofmann, 2003; Kadayifci, 2001). This amino acid position is not well conserved in available vertebrate species. Functional studies suggest that this variant causes loss of stability; however, additional evidence is needed to confirm this finding (Hofmann, 2006; Hofmann, 2003). This alteration is predicted to be deleterious by in silico analysis. Based on the available evidence, this alteration is classified as pathogenic.

Labcorp Genetics (formerly Invitae), Labcorp
Classification: Pathogenic. Last evaluated: 2025-10-14. Review status: criteria provided, single submitter. Criteria: Invitae Variant Classification Sherloc (09022015). Collection method: clinical testing. Allele origin: germline.
Comment: This sequence change replaces arginine, which is basic and polar, with tryptophan, which is neutral and slightly polar, at codon 629 of the WFS1 protein (p.Arg629Trp). This variant is present in population databases (rs71530910, gnomAD 0.006%). This missense change has been observed in individuals with autosomal recessive Wolfram syndrome (PMID: 11811080, 12913071, 27468121, 30957632, 31600780). It has also been observed to segregate with disease in related individuals. ClinVar contains an entry for this variant (Variation ID: 1071979). Invitae Evidence Modeling of protein sequence and biophysical properties (such as structural, functional, and spatial information, amino acid conservation, physicochemical variation, residue mobility, and thermodynamic stability) has been performed for this missense variant. However, the output from this modeling did not meet the statistical confidence thresholds required to predict the impact of this variant on WFS1 protein function. Experimental studies have shown that this missense change affects WFS1 function (PMID: 12913071). For these reasons, this variant has been classified as Pathogenic.

Dasa
Classification: Pathogenic. Last evaluated: 2025-05-22. Review status: criteria provided, single submitter. Criteria: DASA Assertion Criteria. Collection method: clinical testing. Allele origin: germline.
Comment: NM_006005.3(WFS1):c.1885C>T (p.Arg629Trp) introduces an arginine-to-tryptophan substitution. Functional studies demonstrate a deleterious effect on protein function (PMID: 12913071). The variant has been recurrently observed in individuals with Wolfram syndrome and related phenotypes, including segregation in affected families (PMID: 25173644). It is present at low frequency in population datasets. Based on the available data, this variant is classified as pathogenic.

3billion
Classification: Pathogenic for Wolfram syndrome 1. Last evaluated: 2025-03-14. Review status: criteria provided, single submitter. Criteria: ACMG Guidelines, 2015. Collection method: clinical testing. Allele origin: germline. Affected: yes.

Blueprint Genetics
Classification: Pathogenic for WFS1-related disorders. Last evaluated: 2024-04-16. Review status: criteria provided, single submitter. Criteria: ACMG Guidelines, 2015. Collection method: clinical testing. Allele origin: germline. Affected: yes. Observed: 3 variant alleles.

ARUP Laboratories, Molecular Genetics and Genomics, ARUP Laboratories
Classification: Pathogenic. Last evaluated: 2024-04-03. Review status: criteria provided, single submitter. Criteria: ARUP Molecular Germline Variant Investigation Process 2024. Collection method: clinical testing. Allele origin: germline.
Comment: The WFS1 c.1885C>T; p.Arg629Trp variant (rs71530910) has been reported in multiple families affected with symptoms of Wolfram syndrome (WS), both as a homozygote in affected individuals (Kadayifci 2001 and Sobhani 2014) and in trans with rare (Giuliano 2005) or clearly loss of function variants in WFS1 (Hofmann 2003). Of note, isolated hearing loss without diabetes or optic atrophy has been observed in 2 heterozygous monoallelic carriers (or obligate carriers) of the p.Arg629Trp variant (Kadayifci 2001 and Sobhani 2014); however, unaffected carriers have also been described (Hofmann 2003). Additionally, an analysis of p.Arg629Trp variant protein indicated the substituted tryptophan imparts instability in pulse-chase experiments (Hofmann 2003). Lastly, this variant is rare in the general population, and is listed in the Exome Aggregation Consortium (ExAC) browser with an overall frequency of 0.0008% (identified in 1 out of 121,340 chromosomes). Therefore, based on the available information, the p.Arg629Trp variant satisfies our criteria for classification as pathogenic. References: Giuliano et al. Wolfram syndrome in French population: characterization of novel mutations and polymorphisms in the WFS1 gene. Hum Mutat. 2005; 25(1): 99-100. PMID: 15605410. Hofmann et al. Wolfram syndrome: structural and functional analyses of mutant and wild-type wolframin, the WFS1 gene product. Hum Mol Genet. 2003; 12(16): 2003-2012. PMID: 12913071. Kadayifci et al. Wolfram syndrome in a family with variable expression. Acta Medica (Hradec Kralove). 2001; 44(3): 115-18. PMID: 11811080.

GeneDx
Classification: Pathogenic. Last evaluated: 2023-09-29. Review status: criteria provided, single submitter. Criteria: GeneDx Variant Classification Process June 2021. Collection method: clinical testing. Allele origin: germline. Affected: yes.
Comment: Published functional studies found this variant is associated with reduced protein expression and stability (Hofmann S et al., 2003); In silico analysis supports that this missense variant does not alter protein structure/function; This variant is associated with the following publications: (PMID: 36147510, 36208030, 21602428, 12913071, Abbasi2016[CaseReport], 20738327, 35469785, 21968327, 16806192, 12955714, 37277527, 24890733, 22238590, 34686905, 30977832, 27468121, 31600780, 34789499, 25173644, 30957632, 34840683, 11811080)

Literature cited by the submitters: PubMed 11811080 (cited by 3 submitters); PubMed 12913071 (cited by 3 submitters); PubMed 15605410 (cited by Ambry Genetics); PubMed 16806192 (cited by Ambry Genetics); PubMed 27468121 (cited by 3 submitters); PubMed 31600780 (cited by 3 submitters); PubMed 34840683 (cited by Ambry Genetics); PubMed 36098976 (cited by Ambry Genetics); PubMed 37974252 (cited by Ambry Genetics); PubMed 30957632 (cited by Labcorp Genetics (formerly Invitae), Labcorp and 3billion); PubMed 25173644 (cited by Dasa).